The following is an entry in ClinVar:

ClinVar aggregate classification (germline): Pathogenic (1 of 4 stars; one submission).

Conditions:
Hydrocephalus, nonsyndromic, autosomal recessive 1 (HYC1). Also called: Hydrocephalus, nonsyndromic, autosomal recessive; Congenital hydrocephalus 1. Identifiers: Orphanet 2185, MedGen C3887608, MONDO:0009360, OMIM 236600.

Submission:

Myriad Genetics, Inc.
Classification: Pathogenic for Hydrocephalus, nonsyndromic, autosomal recessive 1. Last evaluated: 2025-07-11. Review status: criteria provided, single submitter. Criteria: Myriad Autosomal Dominant, Autosomal Recessive and X-Linked Classification Criteria (2023). Collection method: clinical testing. Allele origin: unknown.
Comment: NM_001080414.3(CCDC88C):c.1126dupC(R376Pfs*4) is expected to be pathogenic in the context of congenital hydrocephalus, CCDC88C-related. This variant is predicted to lead to an abnormal or absent protein product due to the creation of a premature termination codon in CCDC88C, a gene where loss-of-function variants are known to be pathogenic. Please note: this variant was assessed in the context of healthy population screening.

NM_001080414.4(CCDC88C):c.1126dup (p.Arg376fs)

Gene: CCDC88C (coiled-coil and HOOK domain protein 88C; minus strand). Cytogenetic location: 14q32.11.
Variant type: Duplication.
Coding change: c.1126dup on transcript NM_001080414.4 (MANE Select); coding-DNA position 1126, one base duplicated (C; older notation c.1126dupC).
Protein change: p.Arg376fs; shifts the reading frame from arginine 376.
Molecular consequence: frameshift variant. On other transcripts: non-coding transcript variant (2).
Genome position (GRCh38, 1-based): chr14:91,325,981, G duplicated on the plus strand (C on the coding strand, the reverse complement: CCDC88C is on the minus strand); the first of 3 consecutive G bases (chr14:91,325,981-91,325,983); duplicating any one gives the same sequence. VCF-style (leftmost placement, unchanged base first): chr14-91325980-C-CG. GRCh37 (hg19) VCF-style: chr14-91792324-C-CG.
Other names: short protein forms R376fs.
Identifiers: ClinVar variation 5014705 (VCV005014705.1).